The following is an entry in ClinVar:

ClinVar aggregate classification (germline): Uncertain significance. Review status: criteria provided, multiple submitters, no conflicts (2 of 4 stars). 2 submissions from 2 submitters: Uncertain significance (2). Last evaluated 2024-03-07.

Conditions:
Cardiomyopathy (CMYO). Also called: Cardiomyopathies. Identifiers: Orphanet 167848, MedGen C0878544, MONDO:0004994, HP:0001638. Inheritance: Various modes of inheritance.
Cardiovascular phenotype. Identifiers: MedGen CN230736.

Submissions (2):

Color Diagnostics, LLC DBA Color Health
Classification: Uncertain significance for Cardiomyopathy. Last evaluated: 2024-03-07. Review status: criteria provided, single submitter. Criteria: ACMG Guidelines, 2015. Collection method: clinical testing. Allele origin: germline.
Comment: This missense variant replaces isoleucine with serine at codon 2129 of the DSP protein. Computational prediction suggests that this variant may not impact protein structure and function (internally defined REVEL score threshold <= 0.5, PMID: 27666373). Splice site prediction tools suggest that this variant may not impact RNA splicing. To our knowledge, functional studies have not been performed for this variant. This variant has not been reported in individuals affected with cardiovascular disorders in the literature. This variant has not been identified in the general population by the Genome Aggregation Database (gnomAD). The available evidence is insufficient to determine the role of this variant in disease conclusively. Therefore, this variant is classified as a Variant of Uncertain Significance.

Ambry Genetics
Classification: Uncertain significance for Cardiovascular phenotype. Last evaluated: 2023-05-22. Review status: criteria provided, single submitter. Criteria: Ambry Variant Classification Scheme 2023. Collection method: clinical testing. Allele origin: germline.
Comment: The p.I2129S variant (also known as c.6386T>G), located in coding exon 24 of the DSP gene, results from a T to G substitution at nucleotide position 6386. The isoleucine at codon 2129 is replaced by serine, an amino acid with dissimilar properties. This amino acid position is conserved. In addition, the in silico prediction for this alteration is inconclusive. Since supporting evidence is limited at this time, the clinical significance of this alteration remains unclear.

NM_004415.4(DSP):c.6386T>G (p.Ile2129Ser)

Gene: DSP (desmoplakin; plus strand). Cytogenetic location: 6p24.3.
Variant type: single nucleotide variant.
Coding change: c.6386T>G on transcript NM_004415.4 (MANE Select); coding-DNA position 6386, T replaced by G.
Protein change: p.Ile2129Ser; replaces isoleucine 2129 with serine.
Molecular consequence: missense variant.
Genome position (GRCh38, 1-based): chr6:7,583,648, T>G. VCF-style: chr6-7583648-T-G. GRCh37 (hg19) VCF-style: chr6-7583881-T-G.
Other names: c.4589T>G, p.Ile1530Ser (NM_001008844.3); c.5057T>G, p.Ile1686Ser (NM_001319034.2); short protein forms I1686S, I1530S, I2129S.
Identifiers: ClinVar variation 921530 (VCV000921530.6), dbSNP rs1401697610, ClinGen allele CA362690687.